The following is an entry in ClinVar:

ClinVar aggregate classification (germline): Pathogenic (1 of 4 stars; one submission).

Conditions:
Neurofibromatosis, type 1 (NF1). Also called: VON RECKLINGHAUSEN DISEASE; Neurofibromatosis, type I; Peripheral type neurofibromatosis; NEUROFIBROMATOSIS, TYPE I, SOMATIC. Identifiers: Orphanet 636, MedGen C0027831, MONDO:0018975, OMIM 162200. Disease mechanism: loss of function.

Submission:

Labcorp Genetics (formerly Invitae), Labcorp
Classification: Pathogenic for Neurofibromatosis, type 1. Last evaluated: 2019-09-23. Review status: criteria provided, single submitter. Criteria: Invitae Variant Classification Sherloc (09022015). Collection method: clinical testing. Allele origin: unknown.
Comment: This variant disrupts the p.Met1149 amino acid residue in NF1. Other variant(s) that disrupt this residue have been determined to be pathogenic (PMID: 16944272, 27322474). This suggests that this residue is clinically significant, and that variants that disrupt this residue are likely to be disease-causing. For these reasons, this variant has been classified as Pathogenic. Loss-of-function variants in NF1 are known to be pathogenic (PMID: 10712197, 23913538). This variant has not been reported in the literature in individuals with NF1-related conditions. This variant results in the deletion of exons 27-35 and part of exon 26 (c.3383_4773-8523del) of the NF1 gene. It is expected to disrupt RNA splicing and likely results in an absent or disrupted protein product.

Literature cited by the submitters: PubMed 16944272; PubMed 27322474; PubMed 10712197; PubMed 23913538.

NC_000017.10:g.(?_29559786)_(29644315_?)del

Genes: EVI2A (ecotropic viral integration site 2A; minus strand), EVI2B (ecotropic viral integration site 2B; minus strand), NF1 (neurofibromin 1; plus strand), OMG (oligodendrocyte myelin glycoprotein; minus strand). Cytogenetic location: 17q11.2.
Variant type: Deletion.
Identifiers: ClinVar variation 3242910 (VCV003242910.1).